The following is an entry in ClinVar:

NM_033380.3(COL4A5):c.2891G>C (p.Gly964Ala)

Gene: COL4A5 (collagen type IV alpha 5 chain; plus strand). Cytogenetic location: Xq22.3.
Variant type: single nucleotide variant.
Coding change: c.2891G>C on transcript NM_033380.3 (MANE Select); coding-DNA position 2891, G replaced by C.
Protein change: p.Gly964Ala; replaces glycine 964 with alanine.
Molecular consequence: missense variant.
Genome position (GRCh38, 1-based): chrX:108,622,799, G>C. VCF-style: chrX-108622799-G-C. GRCh37 (hg19) VCF-style: chrX-107866029-G-C.
Other names: c.2891G>C, p.Gly964Ala (NM_000495.5); short protein forms G964A.
Identifiers: ClinVar variation 3366491 (VCV003366491.1).
Genomic context (GRCh38, chrX:108,622,799, plus strand): 5'-GAGAGCCTGGCCTTCCAGGCCCTCCTGGACCAATGGATCCAAATCTTCTGGGCTCAAAAG[G>C]AGAGAAGGGGGAACCTGGCTTACCAGGTGAGTGAATGAATTTATTTATGAATATTTTTCC-3'
Protein context (NP_203699.1, residues 954-974): PMDPNLLGSK[Gly964Ala]EKGEPGLPGI

ClinVar aggregate classification (germline): Uncertain significance (1 of 4 stars; one submission).

Submission:

Women's Health and Genetics/Laboratory Corporation of America, LabCorp
Classification: Uncertain significance. Last evaluated: 2024-08-05. Review status: criteria provided, single submitter. Criteria: LabCorp Variant Classification Summary - May 2015. Collection method: clinical testing. Allele origin: germline.
Comment: Variant summary: COL4A5 c.2891G>C (p.Gly964Ala) results in a non-conservative amino acid change in the encoded protein sequence. Five of five in-silico tools predict a damaging effect of the variant on protein function. The variant was absent in 182445 control chromosomes (gnomAD). The available data on variant occurrences in the general population are insufficient to allow any conclusion about variant significance. To our knowledge, no occurrence of c.2891G>C in individuals affected with Alport Syndrome 1, X-Linked Recessive and no experimental evidence demonstrating its impact on protein function have been reported. No submitters have cited clinical-significance assessments for this variant to ClinVar. Based on the evidence outlined above, the variant was classified as uncertain significance.